The following is an entry in ClinVar:

NM_000540.3(RYR1):c.2191T>C (p.Ser731Pro)

Gene: RYR1 (ryanodine receptor 1; plus strand). Cytogenetic location: 19q13.2.
Variant type: single nucleotide variant.
Coding change: c.2191T>C on transcript NM_000540.3 (MANE Select); coding-DNA position 2191, T replaced by C.
Protein change: p.Ser731Pro; replaces serine 731 with proline.
Molecular consequence: missense variant.
Genome position (GRCh38, 1-based): chr19:38,459,169, T>C. VCF-style: chr19-38459169-T-C. GRCh37 (hg19) VCF-style: chr19-38949809-T-C.
Other names: c.2191T>C, p.Ser731Pro (NM_001042723.2); short protein forms S731P.
Identifiers: ClinVar variation 2636292 (VCV002636292.1), dbSNP rs2514048340, ClinGen allele CA405627578.

ClinVar aggregate classification (germline): Uncertain significance (1 of 4 stars; one submission).

Conditions:
RYR1-related disorder. Also called: RYR1-related condition; RYR1-related disorders. Identifiers: MedGen CN239331.

Submission:

PreventionGenetics, part of Exact Sciences
Classification: Uncertain significance for RYR1-related condition. Last evaluated: 2022-09-15. Review status: criteria provided, single submitter. Criteria: ACMG Guidelines, 2015. Collection method: clinical testing. Allele origin: germline.
Comment: The RYR1 c.2191T>C variant is predicted to result in the amino acid substitution p.Ser731Pro. To our knowledge, this variant has not been reported in the literature or in a large population database, indicating this variant is rare. At this time, the clinical significance of this variant is uncertain due to the absence of conclusive functional and genetic evidence.